The following is an entry in ClinVar:

NM_000260.4(MYO7A):c.575C>G (p.Ala192Gly)

Gene: MYO7A (myosin VIIA; plus strand). Cytogenetic location: 11q13.5.
Variant type: single nucleotide variant.
Coding change: c.575C>G on transcript NM_000260.4 (MANE Select); coding-DNA position 575, C replaced by G.
Protein change: p.Ala192Gly; replaces alanine 192 with glycine.
Molecular consequence: missense variant.
Genome position (GRCh38, 1-based): chr11:77,156,764, C>G. VCF-style: chr11-77156764-C-G. GRCh37 (hg19) VCF-style: chr11-76867810-C-G.
Other names: c.575C>G, p.Ala192Gly (NM_001127180.2); c.542C>G, p.Ala181Gly (NM_001369365.1); short protein forms A192G, A181G.
Identifiers: ClinVar variation 1408398 (VCV001408398.3), dbSNP rs1555062640, ClinGen allele CA381931964.

ClinVar aggregate classification (germline): Uncertain significance (1 of 4 stars; one submission).

Allele frequency attached by ClinVar (database versions not stated): gnomAD exomes 0.00001.
gnomAD v4.1: 3 of 1,614,006 alleles (0.00019%); highest among the groups gnomAD compares: Non-Finnish European, 0.00025%; no homozygotes.

Submission:

Labcorp Genetics (formerly Invitae), Labcorp
Classification: Uncertain significance. Last evaluated: 2022-02-02. Review status: criteria provided, single submitter. Criteria: Invitae Variant Classification Sherloc (09022015). Collection method: clinical testing. Allele origin: germline.
Comment: This sequence change replaces alanine, which is neutral and non-polar, with glycine, which is neutral and non-polar, at codon 192 of the MYO7A protein (p.Ala192Gly). This variant is present in population databases (no rsID available, gnomAD 0.002%). This variant has not been reported in the literature in individuals affected with MYO7A-related conditions. Algorithms developed to predict the effect of missense changes on protein structure and function are either unavailable or do not agree on the potential impact of this missense change (SIFT: "Deleterious"; PolyPhen-2: "Probably Damaging"; Align-GVGD: "Class C0"). In summary, the available evidence is currently insufficient to determine the role of this variant in disease. Therefore, it has been classified as a Variant of Uncertain Significance.